The following is an entry in ClinVar:

NM_001371986.1(UNC80):c.9359T>G (p.Val3120Gly)

Gene: UNC80 (unc-80 subunit of NALCN channel complex; plus strand). Cytogenetic location: 2q34.
Variant type: single nucleotide variant.
Coding change: c.9359T>G on transcript NM_001371986.1 (MANE Select); coding-DNA position 9359, T replaced by G.
Protein change: p.Val3120Gly; replaces valine 3120 with glycine.
Molecular consequence: missense variant.
Genome position (GRCh38, 1-based): chr2:209,992,210, T>G. VCF-style: chr2-209992210-T-G. GRCh37 (hg19) VCF-style: chr2-210856934-T-G.
Other names: c.9161T>G, p.Val3054Gly (NM_032504.2); c.9089T>G, p.Val3030Gly (NM_182587.4); short protein forms V3120G, V3030G, V3054G.
Identifiers: ClinVar variation 1993805 (VCV001993805.4), dbSNP rs2471263836, ClinGen allele CA350415346.

ClinVar aggregate classification (germline): Uncertain significance (1 of 4 stars; one submission).

Submission:

Labcorp Genetics (formerly Invitae), Labcorp
Classification: Uncertain significance. Last evaluated: 2023-10-15. Review status: criteria provided, single submitter. Criteria: Invitae Variant Classification Sherloc (09022015). Collection method: clinical testing. Allele origin: germline.
Comment: This sequence change replaces valine, which is neutral and non-polar, with glycine, which is neutral and non-polar, at codon 3054 of the UNC80 protein (p.Val3054Gly). This variant is not present in population databases (gnomAD no frequency). This variant has not been reported in the literature in individuals affected with UNC80-related conditions. ClinVar contains an entry for this variant (Variation ID: 1993805). Advanced modeling of protein sequence and biophysical properties (such as structural, functional, and spatial information, amino acid conservation, physicochemical variation, residue mobility, and thermodynamic stability) performed at Invitae indicates that this missense variant is not expected to disrupt UNC80 protein function. In summary, the available evidence is currently insufficient to determine the role of this variant in disease. Therefore, it has been classified as a Variant of Uncertain Significance.